The following is an entry in ClinVar:

NM_001148.6(ANK2):c.3969C>T (p.Cys1323=)

Gene: ANK2 (ankyrin 2; plus strand). Cytogenetic location: 4q26.
Variant type: single nucleotide variant.
Coding change: c.3969C>T on transcript NM_001148.6 (MANE Select); coding-DNA position 3969, C replaced by T.
Protein change: p.Cys1323=; no amino-acid change (cysteine 1323 retained).
Molecular consequence: synonymous variant.
Genome position (GRCh38, 1-based): chr4:113,341,763, C>T. VCF-style: chr4-113341763-C-T. GRCh37 (hg19) VCF-style: chr4-114262919-C-T.
Other names: c.3942C>T, p.Cys1314= (NM_001127493.3); c.3981C>T, p.Cys1327= (NM_001354225.2); c.3870C>T, p.Cys1290= (NM_001354228.2, NM_001354258.2); c.3948C>T, p.Cys1316= (NM_001354230.2); c.4011C>T, p.Cys1337= (NM_001354231.2, NM_001354242.2); c.4005C>T, p.Cys1335= (NM_001354232.2); c.3966C>T, p.Cys1322= (NM_001354235.2, NM_001354246.2, NM_001354265.2); c.3867C>T, p.Cys1289= (NM_001354236.2); and 31 more.
Identifiers: ClinVar variation 1627595 (VCV001627595.12), dbSNP rs756674393, ClinGen allele CA3050966.
Genomic context (GRCh38, chr4:113,341,763, plus strand): 5'-TTGTCGACAGATCCAGGAATCCGTTACTTTTGCATCACAAGTATACAGAGAAATTATCTG[C>T]GTACCTTATATGGCCAAATTTGTAGTGTTTGCCAAATCACATGACCCCATTGAAGCCAGG-3'
Protein context (NP_001139.3, residues 1313-1333): FASQVYREII[Cys1323=]VPYMAKFVVF

ClinVar aggregate classification (germline): Likely benign. Review status: criteria provided, multiple submitters, no conflicts (2 of 4 stars). 3 submissions from 3 submitters: Likely benign (2). 1 of the submissions does not count toward it. Last evaluated 2025-11-25.

Conditions:
Cardiovascular phenotype. Identifiers: MedGen CN230736.
ANK2-related disorder. Also called: ANK2-related condition.
Long QT syndrome (LQTS). Identifiers: MedGen C0023976, MeSH D008133, MONDO:0002442. Disease mechanism: loss of function. Inheritance: Various modes of inheritance.

Allele frequency attached by ClinVar (database versions not stated): gnomAD 0.00001; ExAC 0.00002; gnomAD exomes 0.00002; TOPMed 0.00002.
gnomAD v4.1: 34 of 1,613,956 alleles (0.0021%); highest among the groups gnomAD compares: South Asian, 0.0044%; 1 homozygote.

Submissions (3):

Labcorp Genetics (formerly Invitae), Labcorp
Classification: Likely benign for Long QT syndrome. Last evaluated: 2025-11-25. Review status: criteria provided, single submitter. Criteria: Invitae Variant Classification Sherloc (09022015). Collection method: clinical testing. Allele origin: germline.

Ambry Genetics
Classification: Likely benign for Cardiovascular phenotype. Last evaluated: 2018-01-09. Review status: criteria provided, single submitter. Criteria: Ambry Variant Classification Scheme 2023. Collection method: clinical testing. Allele origin: germline.

PreventionGenetics, part of Exact Sciences
Classification: Likely benign for ANK2-related condition. Last evaluated: 2020-07-06. Review status: no assertion criteria provided. Collection method: clinical testing. Allele origin: germline. Not counted in ClinVar's aggregate classification.
Comment: This variant is classified as likely benign based on ACMG/AMP sequence variant interpretation guidelines (Richards et al. 2015 PMID: 25741868, with internal and published modifications).